The following is an entry in ClinVar:

NM_003126.4(SPTA1):c.531+1G>T

Gene: SPTA1 (spectrin alpha, erythrocytic 1; minus strand). Cytogenetic location: 1q23.1.
Variant type: single nucleotide variant.
Coding change: c.531+1G>T on transcript NM_003126.4 (MANE Select); the canonical splice donor site of the intron after coding-DNA position 531, G replaced by T.
Molecular consequence: splice donor variant.
Genome position (GRCh38, 1-based): chr1:158,681,526, C>A on the plus strand (G>T on the coding strand, the complement: SPTA1 is on the minus strand). VCF-style: chr1-158681526-C-A. GRCh37 (hg19) VCF-style: chr1-158651316-C-A.
Identifiers: ClinVar variation 5007619 (VCV005007619.2).

ClinVar aggregate classification (germline): Uncertain significance (1 of 4 stars; one submission).

Conditions:
Hereditary spherocytosis type 3. Also called: Spherocytosis type 3; SPTA1-Related Spherocytosis. Identifiers: Orphanet 822, MedGen C2678338, MONDO:0010053, OMIM 270970.
Elliptocytosis 2 (EL2). Also called: ELLIPTOCYTOSIS, RHESUS-UNLINKED TYPE. Identifiers: Orphanet 288, MedGen C1851741, MONDO:0007533, OMIM 130600.
Pyropoikilocytosis, hereditary. Also called: Pyropoikilocytosis. Identifiers: MedGen C0520739, MONDO:0009948, OMIM 266140, HP:0004839. Disease mechanism: loss of function.

Submission:

Juno Genomics, Hangzhou Juno Genomics, Inc
Classification: Uncertain significance for Elliptocytosis 2; Pyropoikilocytosis, hereditary; Hereditary spherocytosis type 3. Review status: criteria provided, single submitter. Criteria: ACMG Guidelines, 2015. Collection method: clinical testing. Allele origin: germline.
Comment: Absent from controls (or at extremely low frequency if recessive) in Genome Aggregation Database.;Null variant in a gene where loss of function (LOF) is a known mechanism of disease.